The following is an entry in ClinVar:

ClinVar aggregate classification (germline): Uncertain significance (1 of 4 stars; one submission).

Conditions:
Familial intrahepatic cholestasis. Identifiers: Orphanet 284385, MedGen CN296401, MONDO:0017290.

Submission:

Genomenon, Inc
Classification: Uncertain significance for Familial intrahepatic cholestasis. Last evaluated: 2026-04-14. Review status: criteria provided, single submitter. Criteria: Genomenon Sequence Variant Interpretation Standards - Updated. Collection method: curation. Allele origin: germline. Affected: yes.
Comment: ABCB11 p.Gly855Arg (c.2563G>A) is a missense variant that changes the amino acid at residue 855 from Glycine to Arginine. This variant has been observed in at least one proband with an ABCB11-related disorder (PMID:17264802). At least one functional study has demonstrated a substantial alteration in protein function relative to the wild-type (PMID:17264802). It is absent or not present at a significant frequency in gnomAD. In silico models predict that this variant is possibly or probably damaging. In conclusion, we classify ABCB11 p.Gly855Arg (c.2563G>A) as a variant of uncertain significance.

Literature cited by the submitters: PubMed 17264802.

NM_003742.4(ABCB11):c.2563G>A (p.Gly855Arg)

Gene: ABCB11 (ATP binding cassette subfamily B member 11; minus strand). Cytogenetic location: 2q31.1.
Variant type: single nucleotide variant.
Coding change: c.2563G>A on transcript NM_003742.4 (MANE Select); coding-DNA position 2563, G replaced by A.
Protein change: p.Gly855Arg; replaces glycine 855 with arginine.
Molecular consequence: missense variant.
Genome position (GRCh38, 1-based): chr2:168,944,652, C>T on the plus strand (G>A on the coding strand, the complement: ABCB11 is on the minus strand). VCF-style: chr2-168944652-C-T. GRCh37 (hg19) VCF-style: chr2-169801162-C-T.
Other names: short protein forms G855R.
Identifiers: ClinVar variation 4846034 (VCV004846034.1).
Genomic context (GRCh38, chr2:168,944,652, plus strand): 5'-TCCCATAGCTCACCCCTTGAACTTGGGAAGCATCTGTAGCAAGTCTTGTTGTCAATGCTC[C>T]AGGGCTATTTCTGAGGTCATCAAACCAGGCAATATCTTGCCCCAGCATTGCCCTGAAACC-3'
Protein context (NP_003733.2, residues 845-865): AWFDDLRNSP[Gly855Arg]ALTTRLATDA